The following is an entry in ClinVar:

NM_001377.3(DYNC2H1):c.12169del (p.Ile4057fs)

Gene: DYNC2H1 (dynein cytoplasmic 2 heavy chain 1; plus strand). Cytogenetic location: 11q22.3.
Variant type: Deletion.
Coding change: c.12169del on transcript NM_001377.3 (MANE Select); coding-DNA position 12169, one base deleted (A; older notation c.12169delA).
Protein change: p.Ile4057fs; shifts the reading frame from isoleucine 4057.
Molecular consequence: frameshift variant.
Genome position (GRCh38, 1-based): chr11:103,399,675, A deleted; the last of 2 consecutive A bases (chr11:103,399,674-103,399,675); deleting either gives the same sequence. VCF-style (leftmost placement, unchanged base first): chr11-103399673-TA-T. GRCh37 (hg19) VCF-style: chr11-103270401-TA-T.
Other names: c.12190delA (NM_001080463.2); c.12190del, p.Ile4064fs (NM_001080463.2); short protein forms I4057fs, I4064fs.
Identifiers: ClinVar variation 2869162 (VCV002869162.4), dbSNP rs1438015268, ClinGen allele CA601670448.

ClinVar aggregate classification (germline): Pathogenic. Review status: criteria provided, multiple submitters, no conflicts (2 of 4 stars). 2 submissions from 2 submitters: Pathogenic (2). Last evaluated 2024-07-09.

Conditions:
Jeune thoracic dystrophy. Also called: Jeune syndrome; Infantile thoracic dystrophy; Thoracic pelvic phalangeal dystrophy; Jeune's syndrome; Chondroectodermal dysplasia-like syndrome; Short-rib thoracic dysplasia. Identifiers: Orphanet 474, MedGen C0265275, MONDO:0018770.
Asphyxiating thoracic dystrophy 3. Also called: SHORT-RIB THORACIC DYSPLASIA 3 WITH OR WITHOUT POLYDACTYLY; POLYDACTYLY WITH NEONATAL CHONDRODYSTROPHY, TYPE I; SHORT-RIB THORACIC DYSPLASIA 3/6 WITH POLYDACTYLY, DIGENIC; Short rib polydactyly syndrome 2B; Saldino-Noonan Syndrome. Identifiers: Orphanet 474, Orphanet 93269, Orphanet 93270, Orphanet 93271, MedGen C0036069, MONDO:0013127, OMIM 613091.

Submissions (2):

Women's Health and Genetics/Laboratory Corporation of America, LabCorp
Classification: Pathogenic for Asphyxiating thoracic dystrophy 3. Last evaluated: 2024-07-09. Review status: criteria provided, single submitter. Criteria: LabCorp Variant Classification Summary - May 2015. Collection method: clinical testing. Allele origin: germline.
Comment: Variant summary: DYNC2H1 c.12190delA (p.Ile4064TyrfsX30) results in a premature termination codon, predicted to cause a truncation of the encoded protein or absence of the protein due to nonsense mediated decay, which are commonly known mechanisms for disease. The variant allele was found at a frequency of 8.1e-06 in 247308 control chromosomes. To our knowledge, no occurrence of c.12190delA in individuals affected with Short-rib thoracic dysplasia and no experimental evidence demonstrating its impact on protein function have been reported. No submitters have cited clinical-significance assessments for this variant to ClinVar. Based on the evidence outlined above, the variant was classified as pathogenic.

Labcorp Genetics (formerly Invitae), Labcorp
Classification: Pathogenic for Jeune thoracic dystrophy. Last evaluated: 2022-11-30. Review status: criteria provided, single submitter. Criteria: Invitae Variant Classification Sherloc (09022015). Collection method: clinical testing. Allele origin: germline.
Comment: This variant has not been reported in the literature in individuals affected with DYNC2H1-related conditions. For these reasons, this variant has been classified as Pathogenic. This variant is present in population databases (no rsID available, gnomAD 0.009%). This sequence change creates a premature translational stop signal (p.Ile4064Tyrfs*30) in the DYNC2H1 gene. It is expected to result in an absent or disrupted protein product. Loss-of-function variants in DYNC2H1 are known to be pathogenic (PMID: 23339108, 32753734).

Literature cited by the submitters: PubMed 23339108 (cited by Labcorp Genetics (formerly Invitae), Labcorp); PubMed 32753734 (cited by Labcorp Genetics (formerly Invitae), Labcorp).